The following is an entry in ClinVar:

ClinVar aggregate classification (germline): Likely benign. Review status: criteria provided, multiple submitters, no conflicts (2 of 4 stars). 2 submissions from 2 submitters: Likely benign (2). Last evaluated 2024-02-01.

Allele frequency attached by ClinVar (database versions not stated): gnomAD 0.00016; ExAC 0.00026.

Submissions (2):

CeGaT Center for Human Genetics Tuebingen
Classification: Likely benign. Last evaluated: 2024-02-01. Review status: criteria provided, single submitter. Criteria: CeGaT Center For Human Genetics Tuebingen Variant Classification Criteria Version 2. Collection method: clinical testing. Allele origin: germline. Affected: yes. Observed: 2 variant alleles.
Comment: LNPK: BP4

Blueprint Genetics
Classification: Likely benign. Last evaluated: 2023-09-08. Review status: criteria provided, single submitter. Criteria: ACMG Guidelines, 2015. Collection method: clinical testing. Allele origin: germline.

NM_030650.3(LNPK):c.1006C>T (p.Pro336Ser)

Gene: LNPK (lunapark, ER junction formation factor; minus strand). Cytogenetic location: 2q31.1.
Variant type: single nucleotide variant.
Coding change: c.1006C>T on transcript NM_030650.3 (MANE Select); coding-DNA position 1006, C replaced by T.
Protein change: p.Pro336Ser; replaces proline 336 with serine.
Molecular consequence: missense variant. On other transcripts: non-coding transcript variant (1).
Genome position (GRCh38, 1-based): chr2:175,937,392, G>A on the plus strand (C>T on the coding strand, the complement: LNPK is on the minus strand). VCF-style: chr2-175937392-G-A. GRCh37 (hg19) VCF-style: chr2-176802120-G-A.
Other names: c.1204C>T, p.Pro402Ser (NM_001305008.1); c.1099C>T, p.Pro367Ser (NM_001305009.1); c.1012C>T, p.Pro338Ser (NM_001305010.1); c.637C>T, p.Pro213Ser (NM_001305011.2); short protein forms P213S, P336S, P338S, P367S, P402S.
Identifiers: ClinVar variation 2651552 (VCV002651552.25), dbSNP rs201325808, ClinGen allele CA1975840.